The following is an entry in ClinVar:

NM_001080467.3(MYO5B):c.2753G>A (p.Arg918His)

Gene: MYO5B (myosin VB; minus strand). Cytogenetic location: 18q21.1.
Variant type: single nucleotide variant.
Coding change: c.2753G>A on transcript NM_001080467.3 (MANE Select); coding-DNA position 2753, G replaced by A.
Protein change: p.Arg918His; replaces arginine 918 with histidine.
Molecular consequence: missense variant.
Genome position (GRCh38, 1-based): chr18:49,902,652, C>T on the plus strand (G>A on the coding strand, the complement: MYO5B is on the minus strand). VCF-style: chr18-49902652-C-T. GRCh37 (hg19) VCF-style: chr18-47429022-C-T.
Other names: short protein forms R918H.
Identifiers: ClinVar variation 327038 (VCV000327038.16), dbSNP rs2298624, ClinGen allele CA8960961.

ClinVar aggregate classification (germline): Benign. Review status: criteria provided, multiple submitters, no conflicts (2 of 4 stars). 5 submissions from 5 submitters: Benign (5). Last evaluated 2026-02-04.

Conditions:
Congenital microvillous atrophy (DIAR2). Also called: DAVIDSON DISEASE; MICROVILLUS ATROPHY, CONGENITAL; Microvillus inclusion disease; Diarrhea 2 with microvillus atrophy, with or without cholestasis; CONGENITAL FAMILIAL PROTRACTED DIARRHEA WITH ENTEROCYTE BRUSH-BORDER ABNORMALITIES. Identifiers: Orphanet 2290, MedGen C0341306, MONDO:0009635, OMIM 251850.

Allele frequency attached by ClinVar (database versions not stated): ESP Exome Variant Server 0.10213; gnomAD 0.11570 and 0.11967; TOPMed 0.11888; 1000 Genomes Project 30x 0.13117; 1000 Genomes Project 0.13538; gnomAD exomes 0.13893 and 0.15289; ExAC 0.14910.
gnomAD v4.1: 220,898 of 1,613,258 alleles (14%); highest among the groups gnomAD compares: East Asian, 24%; 16,189 homozygotes.

Submissions (5):

Labcorp Genetics (formerly Invitae), Labcorp
Classification: Benign. Last evaluated: 2026-02-04. Review status: criteria provided, single submitter. Criteria: Invitae Variant Classification Sherloc (09022015). Collection method: clinical testing. Allele origin: germline.

Mayo Clinic Laboratories, Mayo Clinic
Classification: Benign. Last evaluated: 2022-09-06. Review status: criteria provided, single submitter. Criteria: ACMG Guidelines, 2015. Collection method: clinical testing. Allele origin: germline. Observed: 24 variant alleles.

GeneDx
Classification: Benign. Last evaluated: 2018-11-12. Review status: criteria provided, single submitter. Criteria: GeneDx Variant Classification Process June 2021. Collection method: clinical testing. Allele origin: germline. Affected: yes.

Illumina Laboratory Services, Illumina
Classification: Benign for Congenital microvillous atrophy. Last evaluated: 2018-01-12. Review status: criteria provided, single submitter. Criteria: ICSL Variant Classification Criteria 13 December 2019. Collection method: clinical testing. Allele origin: germline.
Comment: This variant was observed in the ICSL laboratory as part of a predisposition screen in an ostensibly healthy population. It had not been previously curated by ICSL or reported in the Human Gene Mutation Database (HGMD: prior to June 1st, 2018), and was therefore a candidate for classification through an automated scoring system. Utilizing variant allele frequency, disease prevalence and penetrance estimates, and inheritance mode, an automated score was calculated to assess if this variant is too frequent to cause the disease. Based on the score and internal cut-off values, a variant classified as benign is not then subjected to further curation. The score for this variant resulted in a classification of benign for this disease.

Breakthrough Genomics
Classification: Benign. Review status: criteria provided, single submitter. Criteria: ACMG Guidelines, 2015. Collection method: not provided. Allele origin: germline. Inheritance: Autosomal recessive inheritance. Affected: yes.